The following is an entry in ClinVar:

ClinVar aggregate classification (germline): Uncertain significance. Review status: criteria provided, multiple submitters, no conflicts (2 of 4 stars). 3 submissions from 3 submitters: Uncertain significance (3). Last evaluated 2025-03-14.

Conditions:
POLD1-related polyposis and colorectal cancer syndrome (CRCS10). Also called: Colorectal cancer 10; COLORECTAL CANCER, SUSCEPTIBILITY TO, ON CHROMOSOME 19q; Colorectal cancer, susceptibility to, 10. Identifiers: Orphanet 220460, MedGen C2675481, MONDO:0012953, OMIM 612591.
Hereditary cancer-predisposing syndrome. Also called: Tumor predisposition; Hereditary Cancer Syndrome; Hereditary neoplastic syndrome; Neoplastic Syndromes, Hereditary. Identifiers: Orphanet 140162, MedGen C0027672, MeSH D009386, MONDO:0015356.

Submissions (3):

Ambry Genetics
Classification: Uncertain significance for Hereditary cancer-predisposing syndrome. Last evaluated: 2025-03-14. Review status: criteria provided, single submitter. Criteria: Ambry Variant Classification Scheme 2023. Collection method: clinical testing. Allele origin: germline.
Comment: The c.3202delG variant, located in coding exon 25 of the POLD1 gene, results from a deletion of one nucleotide at nucleotide position 3202, causing a translational frameshift with a predicted alternate stop codon (p.D1068Tfs*56). This alteration occurs at the 3' terminus of thePOLD1 gene, is not expected to trigger nonsense-mediated mRNAdecay, and impacts the last 3.6% of the protein. The exact functional effect of this alteration is unknown. Based on the available evidence, the clinical significance of this alteration remains unclear.

Labcorp Genetics (formerly Invitae), Labcorp
Classification: Uncertain significance for POLD1-related polyposis and colorectal cancer syndrome. Last evaluated: 2021-09-03. Review status: criteria provided, single submitter. Criteria: Invitae Variant Classification Sherloc (09022015). Collection method: clinical testing. Allele origin: germline.
Comment: This sequence change results in a frameshift in the POLD1 gene (p.Asp1068Thrfs*56). While this is not anticipated to result in nonsense mediated decay, it is expected to disrupt the last 40 amino acid(s) of the POLD1 protein and extend the protein by 15 additional amino acid residues. Missense variants that disrupt the 3'-5' exonuclease (proof-reading) activity of the POLD1 protein, are associated with an increased risk for colonic adenomatous polyps and colon cancer (PMID: 23263490, 23447401). However loss-of-function variants, which result in an absent or severely disrupted POLD1 protein, and missense variants outside the exonuclease domain, are unlikely to be associated with polyposis or colon cancer. Without further clinical and genetic evidence, this variant has been classified as a Variant of Uncertain Significance. This variant has not been reported in the literature in individuals with POLD1-related conditions. This variant is not present in population databases (ExAC no frequency).

Quest Diagnostics Nichols Institute San Juan Capistrano
Classification: Uncertain significance. Last evaluated: 2020-05-08. Review status: criteria provided, single submitter. Criteria: Quest Diagnostics criteria. Collection method: clinical testing. Allele origin: unknown.

Literature cited by the submitters: PubMed 23263490 (cited by Labcorp Genetics (formerly Invitae), Labcorp); PubMed 23447401 (cited by Labcorp Genetics (formerly Invitae), Labcorp).

NM_002691.4(POLD1):c.3202del (p.Asp1068fs)

Gene: POLD1 (DNA polymerase delta 1, catalytic subunit; plus strand). Cytogenetic location: 19q13.33.
Variant type: Deletion.
Coding change: c.3202del on transcript NM_002691.4 (MANE Select); coding-DNA position 3202, one base deleted (G; older notation c.3202delG).
Protein change: p.Asp1068fs; shifts the reading frame from aspartic acid 1068.
Molecular consequence: frameshift variant. On other transcripts: non-coding transcript variant (1).
Genome position (GRCh38, 1-based): chr19:50,417,253, G deleted; the last of 2 consecutive G bases (chr19:50,417,252-50,417,253); deleting either gives the same sequence. VCF-style (leftmost placement, unchanged base first): chr19-50417251-AG-A. GRCh37 (hg19) VCF-style: chr19-50920508-AG-A.
Other names: c.3202del, p.Asp1068fs (NM_001256849.1); c.3280del, p.Asp1094fs (NM_001308632.1); c.3202delG (NM_002691.2); short protein forms D1068fs, D1094fs.
Identifiers: ClinVar variation 993144 (VCV000993144.7), dbSNP rs2039340383, ClinGen allele CA1139666571.